The following is an entry in ClinVar:

NM_002303.6(LEPR):c.1618C>A (p.Pro540Thr)

Gene: LEPR (leptin receptor; plus strand). Cytogenetic location: 1p31.3.
Variant type: single nucleotide variant.
Coding change: c.1618C>A on transcript NM_002303.6 (MANE Select); coding-DNA position 1618, C replaced by A.
Protein change: p.Pro540Thr; replaces proline 540 with threonine.
Molecular consequence: missense variant.
Genome position (GRCh38, 1-based): chr1:65,608,767, C>A. VCF-style: chr1-65608767-C-A. GRCh37 (hg19) VCF-style: chr1-66074450-C-A.
Other names: c.1618C>A, p.Pro540Thr (NM_001198689.2, NM_001003679.3, NM_001003680.3 and 2 more transcripts); short protein forms P540T.
Identifiers: ClinVar variation 3350770 (VCV003350770.2).

ClinVar aggregate classification (germline): Uncertain significance (1 of 4 stars; one submission).

Conditions:
LEPR-related disorder. Also called: LEPR-related disorders; LEPR-related condition.

gnomAD v4.1: 22 of 1,613,390 alleles (0.0014%); highest among the groups gnomAD compares: Admixed American, 0.015%; no homozygotes.

Submission:

PreventionGenetics, part of Exact Sciences
Classification: Uncertain significance for LEPR-related condition. Last evaluated: 2025-12-23. Review status: criteria provided, single submitter. Criteria: ACMG Guidelines, 2015. Collection method: clinical testing. Allele origin: germline.
Comment: The LEPR c.1618C>A variant is predicted to result in the amino acid substitution p.Pro540Thr. This variant has been reported in the heterozygous state in a cohort study of severe obesity (Courbage et al. 2021. PubMed ID: 34097736). In vitro functional studies show suggestive evidence of loss of function (Table 3 and Supplemental Data Set, Shah et al. 2023. PubMed ID: 36864747). This variant is reported in 0.0057% of alleles in individuals of Latino descent in gnomAD. Although we suspect this variant may be pathogenic, at this time, the clinical significance of this variant is uncertain due to the absence of conclusive functional and genetic evidence.